The following is an entry in ClinVar:

NM_177438.3(DICER1):c.3503T>A (p.Val1168Asp)

Gene: DICER1 (dicer 1, ribonuclease III; minus strand). Cytogenetic location: 14q32.13.
Variant type: single nucleotide variant.
Coding change: c.3503T>A on transcript NM_177438.3 (MANE Select); coding-DNA position 3503, T replaced by A.
Protein change: p.Val1168Asp; replaces valine 1168 with aspartic acid.
Molecular consequence: missense variant. On other transcripts: non-coding transcript variant (6).
Genome position (GRCh38, 1-based): chr14:95,103,893, A>T on the plus strand (T>A on the coding strand, the complement: DICER1 is on the minus strand). VCF-style: chr14-95103893-A-T. GRCh37 (hg19) VCF-style: chr14-95570230-A-T.
Other names: c.3503T>A, p.Val1168Asp (NM_001195573.1, NM_001271282.3, NM_001291628.2 and 12 more transcripts); c.3221T>A, p.Val1074Asp (NM_001395686.1); c.3098T>A, p.Val1033Asp (NM_001395687.1, NM_001395688.1, NM_001395689.1 and 2 more transcripts); c.2936T>A, p.Val979Asp (NM_001395691.1); c.1820T>A, p.Val607Asp (NM_001395697.1); short protein forms V1033D, V1074D, V607D, V1168D, V979D.
Identifiers: ClinVar variation 4746830 (VCV004746830.1).

ClinVar aggregate classification (germline): Uncertain significance (1 of 4 stars; one submission).

Conditions:
DICER1-related tumor predisposition. Also called: DICER1-related pleuropulmonary blastoma cancer predisposition syndrome; DICER1 syndrome. Identifiers: Orphanet 284343, MedGen C3839822, MONDO:0100216.

Submission:

Labcorp Genetics (formerly Invitae), Labcorp
Classification: Uncertain significance for DICER1-related tumor predisposition. Last evaluated: 2025-08-06. Review status: criteria provided, single submitter. Criteria: Invitae Variant Classification Sherloc (09022015). Collection method: clinical testing. Allele origin: germline.
Comment: This sequence change replaces valine, which is neutral and non-polar, with aspartic acid, which is acidic and polar, at codon 1168 of the DICER1 protein (p.Val1168Asp). This variant is not present in population databases (gnomAD no frequency). This variant has not been reported in the literature in individuals affected with DICER1-related conditions. Invitae Evidence Modeling of protein sequence and biophysical properties (such as structural, functional, and spatial information, amino acid conservation, physicochemical variation, residue mobility, and thermodynamic stability) indicates that this missense variant is not expected to disrupt DICER1 protein function with a negative predictive value of 95%. In summary, the available evidence is currently insufficient to determine the role of this variant in disease. Therefore, it has been classified as a Variant of Uncertain Significance.